The following is an entry in ClinVar:

NM_003560.4(PLA2G6):c.1786C>T (p.Leu596Phe)

Gene: PLA2G6 (phospholipase A2 group VI; minus strand). Cytogenetic location: 22q13.1.
Variant type: single nucleotide variant.
Coding change: c.1786C>T on transcript NM_003560.4 (MANE Select); coding-DNA position 1786, C replaced by T.
Protein change: p.Leu596Phe; replaces leucine 596 with phenylalanine.
Molecular consequence: missense variant.
Genome position (GRCh38, 1-based): chr22:38,116,168, G>A on the plus strand (C>T on the coding strand, the complement: PLA2G6 is on the minus strand). VCF-style: chr22-38116168-G-A. GRCh37 (hg19) VCF-style: chr22-38512175-G-A.
Other names: c.1624C>T, p.Leu542Phe (NM_001004426.3, NM_001199562.3, NM_001349865.2 and 1 more transcripts); c.1786C>T, p.Leu596Phe (NM_001349864.2); c.1252C>T, p.Leu418Phe (NM_001349867.2); c.1108C>T, p.Leu370Phe (NM_001349868.2); c.1090C>T, p.Leu364Phe (NM_001349869.2); short protein forms L364F, L370F, L418F, L542F, L596F.
Identifiers: ClinVar variation 962233 (VCV000962233.2), dbSNP rs2087181118, ClinGen allele CA411525712.

ClinVar aggregate classification (germline): Uncertain significance. Review status: criteria provided, multiple submitters, no conflicts (2 of 4 stars). 2 submissions from 2 submitters: Uncertain significance (2). Last evaluated 2021-07-02.

Conditions:
Infantile neuroaxonal dystrophy (NBIA2A). Also called: Infantile neuroaxonal dystrophy 1; SEITELBERGER DISEASE; NEURODEGENERATION WITH BRAIN IRON ACCUMULATION 2A. Identifiers: Orphanet 35069, MedGen C0270724, MONDO:0024457, OMIM 256600.
Neurodegeneration with brain iron accumulation 2B. Also called: aNAD; atypical Neuroaxonal Dystrophy (aNAD); NEUROAXONAL DYSTROPHY, ATYPICAL; NEURODEGENERATION WITH BRAIN IRON ACCUMULATION, PLA2G6-RELATED. Identifiers: Orphanet 35069, MedGen C1857747, MONDO:0012444, OMIM 610217.
Autosomal recessive Parkinson disease 14. Also called: PARKINSON DISEASE 14; DYSTONIA-PARKINSONISM, ADULT-ONSET. Identifiers: Orphanet 199351, MedGen C2751842, MONDO:0013060, OMIM 612953.

Allele frequency attached by ClinVar (database versions not stated): gnomAD exomes below 0.00001.

Submissions (2):

Fulgent Genetics
Classification: Uncertain significance for Infantile neuroaxonal dystrophy; Neurodegeneration with brain iron accumulation 2B; Autosomal recessive Parkinson disease 14. Last evaluated: 2021-07-02. Review status: criteria provided, single submitter. Criteria: ACMG Guidelines, 2015. Collection method: clinical testing. Allele origin: unknown.

Labcorp Genetics (formerly Invitae), Labcorp
Classification: Uncertain significance for Infantile neuroaxonal dystrophy. Last evaluated: 2019-10-31. Review status: criteria provided, single submitter. Criteria: Invitae Variant Classification Sherloc (09022015). Collection method: clinical testing. Allele origin: germline.
Comment: This sequence change replaces leucine with phenylalanine at codon 596 of the PLA2G6 protein (p.Leu596Phe). The leucine residue is highly conserved and there is a small physicochemical difference between leucine and phenylalanine. This variant is not present in population databases (ExAC no frequency). This variant has been observed in individual(s) with clinical features of autosomal recessive Parkinson disease (PMID: 28295203, Invitae). Algorithms developed to predict the effect of missense changes on protein structure and function are either unavailable or do not agree on the potential impact of this missense change (SIFT: "Deleterious"; PolyPhen-2: "Probably Damaging"; Align-GVGD: "Class C15"). In summary, the available evidence is currently insufficient to determine the role of this variant in disease. Therefore, it has been classified as a Variant of Uncertain Significance.

Literature cited by the submitters: PubMed 28295203 (cited by Labcorp Genetics (formerly Invitae), Labcorp).